The following is an entry in ClinVar:

ClinVar aggregate classification (germline): Uncertain significance. Review status: criteria provided, multiple submitters, no conflicts (2 of 4 stars). 2 submissions from 2 submitters: Uncertain significance (2). Last evaluated 2025-07-24.

Conditions:
Spastic paraplegia. Identifiers: MedGen C0037772, HP:0001258.

gnomAD v4.1: 1 of 1,210,939 alleles (0.000083%); highest among the groups gnomAD compares: East Asian, 0.003%; no homozygotes.

Submissions (2):

Dasa
Classification: Uncertain significance. Last evaluated: 2025-07-24. Review status: criteria provided, single submitter. Criteria: DASA Assertion Criteria. Collection method: clinical testing. Allele origin: germline.
Comment: NM_004187.5(KDM5C):c.3380A>G (p.Lys1127Arg) is a missense variant that results in the substitution of lysine with arginine. This variant is rare in population databases. Computational prediction algorithms are consistent with a benign effect. The currently available literature and clinical evidence are not sufficient to establish a definitive association between this variant and the reported condition. Therefore, this variant is classified as a variant of uncertain significance.

Labcorp Genetics (formerly Invitae), Labcorp
Classification: Uncertain significance for Spastic paraplegia. Last evaluated: 2021-12-24. Review status: criteria provided, single submitter. Criteria: Invitae Variant Classification Sherloc (09022015). Collection method: clinical testing. Allele origin: germline.
Comment: This sequence change replaces lysine, which is basic and polar, with arginine, which is basic and polar, at codon 1127 of the KDM5C protein (p.Lys1127Arg). The frequency data for this variant in the population databases is considered unreliable, as metrics indicate poor data quality at this position in the gnomAD database. This variant has not been reported in the literature in individuals affected with KDM5C-related conditions. Advanced modeling of protein sequence and biophysical properties (such as structural, functional, and spatial information, amino acid conservation, physicochemical variation, residue mobility, and thermodynamic stability) performed at Invitae indicates that this missense variant is not expected to disrupt KDM5C protein function. In summary, the available evidence is currently insufficient to determine the role of this variant in disease. Therefore, it has been classified as a Variant of Uncertain Significance.

NM_004187.5(KDM5C):c.3380A>G (p.Lys1127Arg)

Gene: KDM5C (lysine demethylase 5C; minus strand). Cytogenetic location: Xp11.22.
Variant type: single nucleotide variant.
Coding change: c.3380A>G on transcript NM_004187.5 (MANE Select); coding-DNA position 3380, A replaced by G.
Protein change: p.Lys1127Arg; replaces lysine 1127 with arginine.
Molecular consequence: missense variant. On other transcripts: non-coding transcript variant (3).
Genome position (GRCh38, 1-based): chrX:53,194,989, T>C on the plus strand (A>G on the coding strand, the complement: KDM5C is on the minus strand). VCF-style: chrX-53194989-T-C. GRCh37 (hg19) VCF-style: chrX-53224171-T-C.
Other names: c.3179A>G, p.Lys1060Arg (NM_001146702.2); c.3377A>G, p.Lys1126Arg (NM_001282622.3, NM_001353979.2, NM_001353982.2); c.3380A>G, p.Lys1127Arg (NM_001353978.3, NM_001353981.2, NM_001353984.2); short protein forms K1060R, K1126R, K1127R.
Identifiers: ClinVar variation 1484174 (VCV001484174.8), dbSNP rs782201107, ClinGen allele CA413109671.